The following is an entry in ClinVar:

ClinVar aggregate classification (germline): Uncertain significance (1 of 4 stars; one submission).

Conditions:
Inborn genetic diseases. Identifiers: MedGen C0950123, MeSH D030342.

Submission:

Ambry Genetics
Classification: Uncertain significance for Inborn genetic diseases. Last evaluated: 2026-06-21. Review status: criteria provided, single submitter. Criteria: Ambry Variant Classification Scheme 2023. Collection method: clinical testing. Allele origin: germline.
Comment: The p.C1376Y variant (also known as c.4127G>A), located in coding exon 1 of the SAMD9 gene, results from a G to A substitution at nucleotide position 4127. The cysteine at codon 1376 is replaced by tyrosine, an amino acid with highly dissimilar properties. This amino acid position is conserved. In addition, this alteration is predicted to be tolerated by in silico analysis. Based on the available evidence, the clinical significance of this variant remains unclear.

NM_017654.4(SAMD9):c.4127G>A (p.Cys1376Tyr)

Gene: SAMD9 (sterile alpha motif domain containing 9; minus strand). Cytogenetic location: 7q21.2.
Variant type: single nucleotide variant.
Coding change: c.4127G>A on transcript NM_017654.4 (MANE Select); coding-DNA position 4127, G replaced by A.
Protein change: p.Cys1376Tyr; replaces cysteine 1376 with tyrosine.
Molecular consequence: missense variant.
Genome position (GRCh38, 1-based): chr7:93,101,971, C>T on the plus strand (G>A on the coding strand, the complement: SAMD9 is on the minus strand). VCF-style: chr7-93101971-C-T. GRCh37 (hg19) VCF-style: chr7-92731284-C-T.
Other names: c.4127G>A, p.Cys1376Tyr (NM_001193307.2); short protein forms C1376Y.
Identifiers: ClinVar variation 5028735 (VCV005028735.1).